The following is an entry in ClinVar:

NM_006231.4(POLE):c.1736G>C (p.Arg579Pro)

Gene: POLE (DNA polymerase epsilon, catalytic subunit; minus strand). Cytogenetic location: 12q24.33.
Variant type: single nucleotide variant.
Coding change: c.1736G>C on transcript NM_006231.4 (MANE Select); coding-DNA position 1736, G replaced by C.
Protein change: p.Arg579Pro; replaces arginine 579 with proline.
Molecular consequence: missense variant.
Genome position (GRCh38, 1-based): chr12:132,672,273, C>G on the plus strand (G>C on the coding strand, the complement: POLE is on the minus strand). VCF-style: chr12-132672273-C-G. GRCh37 (hg19) VCF-style: chr12-133248859-C-G.
Other names: short protein forms R579P.
Identifiers: ClinVar variation 4862325 (VCV004862325.1).
Genomic context (GRCh38, chr12:132,672,273, plus strand): 5'-ACCTCTTCAAAGTTGGTGACTTGCTCCACAGGCACTTTCTCCTCTTCCTCAAGGGCGTGG[C>G]GCAAGGTCTTCTCAACCCGCTGCAGCAGGAAGTCAAAGGCGGCAGGATTCTAGCACAACA-3'
Protein context (NP_006222.2, residues 569-589): FLLQRVEKTL[Arg579Pro]HALEEEEKVP

ClinVar aggregate classification (germline): Uncertain significance (1 of 4 stars; one submission).

Conditions:
Hereditary cancer-predisposing syndrome. Also called: Neoplastic Syndromes, Hereditary; Tumor predisposition; Hereditary Cancer Syndrome; Hereditary neoplastic syndrome. Identifiers: Orphanet 140162, MedGen C0027672, MeSH D009386, MONDO:0015356.

Submission:

Ambry Genetics
Classification: Uncertain significance for Hereditary cancer-predisposing syndrome. Last evaluated: 2026-05-21. Review status: criteria provided, single submitter. Criteria: Ambry Variant Classification Scheme 2023. Collection method: clinical testing. Allele origin: germline.
Comment: The p.R579P variant (also known as c.1736G>C), located in coding exon 16 of the POLE gene, results from a G to C substitution at nucleotide position 1736. The arginine at codon 579 is replaced by proline, an amino acid with dissimilar properties. This amino acid position is conserved. In addition, the in silico prediction for this alteration is inconclusive. Based on the available evidence, the clinical significance of this variant remains unclear.